The following is an entry in ClinVar:

ClinVar aggregate classification (germline): Pathogenic. Review status: criteria provided, multiple submitters, no conflicts (2 of 4 stars). 3 submissions from 3 submitters: Pathogenic (3). Last evaluated 2024-07-01.

Conditions:
Long QT syndrome (LQTS). Identifiers: MedGen C0023976, MeSH D008133, MONDO:0002442. Disease mechanism: loss of function. Inheritance: Various modes of inheritance.

Submissions (3):

CeGaT Center for Human Genetics Tuebingen
Classification: Pathogenic. Last evaluated: 2024-07-01. Review status: criteria provided, single submitter. Criteria: CeGaT Center For Human Genetics Tuebingen Variant Classification Criteria Version 2. Collection method: clinical testing. Allele origin: germline. Affected: yes. Observed: 1 variant allele.
Comment: KCNH2: PVS1, PM2

Labcorp Genetics (formerly Invitae), Labcorp
Classification: Pathogenic for Long QT syndrome. Last evaluated: 2023-10-04. Review status: criteria provided, single submitter. Criteria: Invitae Variant Classification Sherloc (09022015). Collection method: clinical testing. Allele origin: germline.
Comment: This sequence change creates a premature translational stop signal (p.Asp1037Alafs*21) in the KCNH2 gene. It is expected to result in an absent or disrupted protein product. Loss-of-function variants in KCNH2 are known to be pathogenic (PMID: 10973849, 19862833). This variant is not present in population databases (gnomAD no frequency). This variant has not been reported in the literature in individuals affected with KCNH2-related conditions. ClinVar contains an entry for this variant (Variation ID: 372571). For these reasons, this variant has been classified as Pathogenic.

GeneDx
Classification: Pathogenic. Last evaluated: 2022-08-12. Review status: criteria provided, single submitter. Criteria: GeneDx Variant Classification Process June 2021. Collection method: clinical testing. Allele origin: germline. Affected: yes.
Comment: Has not been previously published as pathogenic or benign to our knowledge; Not observed at significant frequency in large population cohorts (gnomAD); Frameshift variant predicted to result in protein truncation or nonsense mediated decay in a gene for which loss of function is a known mechanism of disease

Literature cited by the submitters: PubMed 10973849 (cited by Labcorp Genetics (formerly Invitae), Labcorp); PubMed 19862833 (cited by Labcorp Genetics (formerly Invitae), Labcorp).

NM_000238.4(KCNH2):c.3106_3107dup (p.Asp1037fs)

Gene: KCNH2 (potassium voltage-gated channel subfamily H member 2; minus strand). Cytogenetic location: 7q36.1.
Variant type: Duplication.
Coding change: c.3106_3107dup on transcript NM_000238.4 (MANE Select); coding-DNA positions 3106 to 3107, 2 bases duplicated (GG; older notation c.3106_3107dupGG).
Protein change: p.Asp1037fs; shifts the reading frame from aspartic acid 1037.
Molecular consequence: frameshift variant.
Genome position (GRCh38, 1-based): chr7:150,947,373-150,947,374, CC duplicated on the plus strand (GG on the coding strand, the reverse complement: KCNH2 is on the minus strand); duplicating any 2 consecutive bases within chr7:150,947,373-150,947,376 gives the same sequence; the c. name uses the placement nearest the transcript's 3' end. VCF-style (leftmost placement, unchanged base first): chr7-150947372-G-GCC. GRCh37 (hg19) VCF-style: chr7-150644460-G-GCC.
Other names: c.3106_3107dupGG (NM_000238.2); c.2086_2087dup, p.Asp697fs (NM_172057.3); short protein forms D697fs, D1037fs.
Identifiers: ClinVar variation 372571 (VCV000372571.22), dbSNP rs794728469, ClinGen allele CA16042570.